The following is an entry in ClinVar:

NM_001267550.2(TTN):c.83779A>C (p.Thr27927Pro)

Genes: TTN-AS1 (TTN antisense RNA 1; plus strand), TTN (titin; minus strand). Cytogenetic location: 2q31.2.
Variant type: single nucleotide variant.
Coding change: c.83779A>C on transcript NM_001267550.2 (MANE Select); coding-DNA position 83779, A replaced by C.
Protein change: p.Thr27927Pro; replaces threonine 27927 with proline.
Molecular consequence: missense variant.
Genome position (GRCh38, 1-based): chr2:178,562,353, T>G on the plus strand (A>C on the coding strand, the complement: TTN is on the minus strand). VCF-style: chr2-178562353-T-G. GRCh37 (hg19) VCF-style: chr2-179427080-T-G.
Other names: c.78856A>C, p.Thr26286Pro (NM_001256850.1); c.56584A>C, p.Thr18862Pro (NM_003319.4); c.76075A>C, p.Thr25359Pro (NM_133378.4); c.56959A>C, p.Thr18987Pro (NM_133432.3); c.57160A>C, p.Thr19054Pro (NM_133437.4); short protein forms T27927P, T18987P, T25359P, T26286P, T18862P, T19054P.
Identifiers: ClinVar variation 467557 (VCV000467557.4), dbSNP rs1164046049, ClinGen allele CA349564454.

ClinVar aggregate classification (germline): Uncertain significance. Review status: criteria provided, multiple submitters, no conflicts (2 of 4 stars). 2 submissions from 2 submitters: Uncertain significance (2). Last evaluated 2024-12-02.

Conditions:
Autosomal recessive limb-girdle muscular dystrophy type 2J (LGMDR10). Also called: Limb-girdle muscular dystrophy, type 2J; MUSCULAR DYSTROPHY, LIMB-GIRDLE, AUTOSOMAL RECESSIVE 10. Identifiers: Orphanet 140922, MedGen C1837342, MONDO:0012127, OMIM 608807.
Dilated cardiomyopathy 1G (CMD1G). Identifiers: Orphanet 154, MedGen C1858763, MONDO:0011400, OMIM 604145.

Allele frequency attached by ClinVar (database versions not stated): gnomAD exomes below 0.00001; gnomAD 0.00002; TOPMed 0.00002.
gnomAD v4.1: 5 of 1,610,848 alleles (0.00031%); highest among the groups gnomAD compares: African/African-American, 0.0067%; no homozygotes.

Submissions (2):

Women's Health and Genetics/Laboratory Corporation of America, LabCorp
Classification: Uncertain significance. Last evaluated: 2024-12-02. Review status: criteria provided, single submitter. Criteria: LabCorp Variant Classification Summary - May 2015. Collection method: clinical testing. Allele origin: germline.
Comment: Variant summary: TTN c.76075A>C (p.Thr25359Pro) results in a non-conservative amino acid change in the encoded protein sequence. Two of three in-silico tools predict a damaging effect of the variant on protein function. The variant was absent in 245260 control chromosomes. The available data on variant occurrences in the general population are insufficient to allow any conclusion about variant significance. To our knowledge, no occurrence of c.76075A>C in individuals affected with TTN-related conditions and no experimental evidence demonstrating its impact on protein function have been reported. ClinVar contains an entry for this variant (Variation ID: 467557). Based on the evidence outlined above, the variant was classified as uncertain significance.

Labcorp Genetics (formerly Invitae), Labcorp
Classification: Uncertain significance for Dilated cardiomyopathy 1G; Autosomal recessive limb-girdle muscular dystrophy type 2J. Last evaluated: 2017-01-31. Review status: criteria provided, single submitter. Criteria: Invitae Variant Classification Sherloc (09022015). Collection method: clinical testing. Allele origin: germline.